The following is an entry in ClinVar:

NM_170707.4(LMNA):c.720_730del (p.Leu241fs)

Gene: LMNA (lamin A/C; plus strand). Cytogenetic location: 1q22.
Variant type: Deletion.
Coding change: c.720_730del on transcript NM_170707.4 (MANE Select); coding-DNA positions 720 to 730, 11 bases deleted (GCTGGCGGATG).
Protein change: p.Leu241fs; shifts the reading frame from leucine 241.
Molecular consequence: frameshift variant.
Genome position (GRCh38, 1-based): chr1:156,134,885-156,134,895, GCTGGCGGATG deleted; deleting any 11 consecutive bases within chr1:156,134,884-156,134,895 gives the same sequence; the c. name uses the placement nearest the transcript's 3' end. VCF-style (leftmost placement, unchanged base first): chr1-156134883-CGGCTGGCGGAT-C. GRCh37 (hg19) VCF-style: chr1-156104674-CGGCTGGCGGAT-C.
Other names: c.384_394del, p.Leu129fs (NM_001257374.3); c.477_487del, p.Leu160fs (NM_001282624.2); c.720_730del, p.Leu241fs (NM_001282625.2, NM_001282626.2, NM_005572.4 and 1 more transcripts); short protein forms L129fs, L160fs, L241fs.
Identifiers: ClinVar variation 2902662 (VCV002902662.3), dbSNP rs2527973445, ClinGen allele CA2739275310.

ClinVar aggregate classification (germline): Pathogenic (1 of 4 stars; one submission).

Conditions:
Charcot-Marie-Tooth disease type 2. Also called: Charcot-Marie-Tooth type 2. Identifiers: Orphanet 64746, MedGen C0270914, MONDO:0018993.

Submission:

Labcorp Genetics (formerly Invitae), Labcorp
Classification: Pathogenic for Charcot-Marie-Tooth disease type 2. Last evaluated: 2025-11-21. Review status: criteria provided, single submitter. Criteria: Invitae Variant Classification Sherloc (09022015). Collection method: clinical testing. Allele origin: germline.
Comment: This sequence change creates a premature translational stop signal (p.Leu241Alafs*9) in the LMNA gene. It is expected to result in an absent or disrupted protein product. Loss-of-function variants in LMNA are known to be pathogenic (PMID: 18585512, 18926329). This variant is not present in population databases (gnomAD no frequency). This variant has not been reported in the literature in individuals affected with LMNA-related conditions. ClinVar contains an entry for this variant (Variation ID: 2902662). For these reasons, this variant has been classified as Pathogenic.

Literature cited by the submitters: PubMed 18585512; PubMed 18926329.